The following is an entry in ClinVar:

ClinVar aggregate classification (germline): Pathogenic (1 of 4 stars; one submission).

Conditions:
Congenital myotonia, autosomal dominant form (THD). Also called: THOMSEN DISEASE; Myotonia congenita autosomal dominant. Identifiers: Orphanet 614, MedGen C2936781, MONDO:0008055, OMIM 160800.
Congenital myotonia, autosomal recessive form. Also called: BECKER DISEASE; Becker Generalized Myotonia; myotonia congenita, autosomal recessive. Identifiers: Orphanet 614, MedGen C0751360, MONDO:0009715, OMIM 255700.

Submission:

Labcorp Genetics (formerly Invitae), Labcorp
Classification: Pathogenic for Congenital myotonia, autosomal recessive form; Congenital myotonia, autosomal dominant form. Last evaluated: 2024-01-25. Review status: criteria provided, single submitter. Criteria: Invitae Variant Classification Sherloc (09022015). Collection method: clinical testing. Allele origin: germline.
Comment: This sequence change creates a premature translational stop signal (p.Glu548*) in the CLCN1 gene. It is expected to result in an absent or disrupted protein product. Loss-of-function variants in CLCN1 are known to be pathogenic (PMID: 17932099, 22094069, 23739125). This variant is not present in population databases (gnomAD no frequency). This variant has not been reported in the literature in individuals affected with CLCN1-related conditions. For these reasons, this variant has been classified as Pathogenic.

Literature cited by the submitters: PubMed 17932099; PubMed 22094069; PubMed 23739125.

NM_000083.3(CLCN1):c.1642G>T (p.Glu548Ter)

Gene: CLCN1 (chloride voltage-gated channel 1; plus strand). Cytogenetic location: 7q34.
Variant type: single nucleotide variant.
Coding change: c.1642G>T on transcript NM_000083.3 (MANE Select); coding-DNA position 1642, G replaced by T.
Protein change: p.Glu548Ter; replaces glutamic acid 548 with a stop codon.
Molecular consequence: nonsense. On other transcripts: non-coding transcript variant (1).
Genome position (GRCh38, 1-based): chr7:143,341,988, G>T. VCF-style: chr7-143341988-G-T. GRCh37 (hg19) VCF-style: chr7-143039081-G-T.
Other names: short protein forms E548*.
Identifiers: ClinVar variation 2936812 (VCV002936812.3), dbSNP rs546411827, ClinGen allele CA369646463.